The following is an entry in ClinVar:

ClinVar aggregate classification (germline): Conflicting classifications of pathogenicity. Review status: criteria provided, conflicting classifications (1 of 4 stars). 2 submissions from 1 submitter: Uncertain significance (1); Benign (1). Last evaluated 2018-01-12.

Conditions:
Distal arthrogryposis type 2B1 (DA2B1). Also called: Arthrogryposis multiplex congenita distal type II with craniofacial abnormalities. Identifiers: Orphanet 1147, MedGen C5193014, MONDO:0020820, OMIM 601680.
Freeman-Sheldon syndrome (DA2A). Also called: CRANIOCARPOTARSAL DYSPLASIA; CRANIOCARPOTARSAL DYSTROPHY; WHISTLING FACE-WINDMILL VANE HAND SYNDROME; Arthrogryposis, distal, type 2A (Freeman-Sheldon). Identifiers: Orphanet 2053, MedGen C0265224, MONDO:0008675, OMIM 193700.

Allele frequency attached by ClinVar (database versions not stated): ESP Exome Variant Server 0.00008; gnomAD 0.00014; TOPMed 0.00017; ExAC 0.00022; gnomAD exomes 0.00024.
gnomAD v4.1: 211 of 1,612,600 alleles (0.013%); highest among the groups gnomAD compares: Middle Eastern, 0.033%; no homozygotes.

Submissions (2):

Illumina Laboratory Services, Illumina
Classification: Uncertain significance for Distal arthrogryposis type 2B1. Last evaluated: 2018-01-12. Review status: criteria provided, single submitter. Criteria: ICSL Variant Classification Criteria 13 December 2019. Collection method: clinical testing. Allele origin: germline.

Illumina Laboratory Services, Illumina
Classification: Benign for Freeman-Sheldon syndrome. Last evaluated: 2018-01-12. Review status: criteria provided, single submitter. Criteria: ICSL Variant Classification Criteria 13 December 2019. Collection method: clinical testing. Allele origin: germline.
Comment: This variant was observed in the ICSL laboratory as part of a predisposition screen in an ostensibly healthy population. It had not been previously curated by ICSL or reported in the Human Gene Mutation Database (HGMD: prior to June 1st, 2018), and was therefore a candidate for classification through an automated scoring system. Utilizing variant allele frequency, disease prevalence and penetrance estimates, and inheritance mode, an automated score was calculated to assess if this variant is too frequent to cause the disease. Based on the score and internal cut-off values, a variant classified as benign is not then subjected to further curation. The score for this variant resulted in a classification of benign for this disease.

NM_002470.4(MYH3):c.*31T>G

Gene: MYH3 (myosin heavy chain 3; minus strand). Cytogenetic location: 17p13.1.
Variant type: single nucleotide variant.
Coding change: c.*31T>G on transcript NM_002470.4 (MANE Select); 31 bases downstream of the stop codon, T replaced by G.
Molecular consequence: 3 prime UTR variant.
Genome position (GRCh38, 1-based): chr17:10,628,622, A>C on the plus strand (T>G on the coding strand, the complement: MYH3 is on the minus strand). VCF-style: chr17-10628622-A-C. GRCh37 (hg19) VCF-style: chr17-10531939-A-C.
Identifiers: ClinVar variation 321707 (VCV000321707.5), dbSNP rs201532275, ClinGen allele CA8391763.